The following is an entry in ClinVar:

ClinVar aggregate classification (germline): Likely benign (1 of 4 stars; one submission).

Allele frequency attached by ClinVar (database versions not stated): 1000 Genomes Project 30x 0.00016; 1000 Genomes Project 0.00020; gnomAD 0.00084; TOPMed 0.00085; ExAC 0.00123; gnomAD exomes 0.00129; ESP Exome Variant Server 0.00139.

Submission:

CeGaT Center for Human Genetics Tuebingen
Classification: Likely benign. Last evaluated: 2022-07-01. Review status: criteria provided, single submitter. Criteria: CeGaT Center For Human Genetics Tuebingen Variant Classification Criteria Version 2. Collection method: clinical testing. Allele origin: germline. Affected: yes. Observed: 1 variant allele.
Comment: MISP: BP4, BP7

NM_173481.4(MISP):c.1002G>A (p.Leu334=)

Gene: MISP (mitotic spindle positioning; plus strand). Cytogenetic location: 19p13.3.
Variant type: single nucleotide variant.
Coding change: c.1002G>A on transcript NM_173481.4 (MANE Select); coding-DNA position 1002, G replaced by A.
Protein change: p.Leu334=; no amino-acid change (leucine 334 retained).
Molecular consequence: synonymous variant.
Genome position (GRCh38, 1-based): chr19:757,948, G>A. VCF-style: chr19-757948-G-A. GRCh37 (hg19) VCF-style: chr19-757948-G-A.
Identifiers: ClinVar variation 2648866 (VCV002648866.24), dbSNP rs144467195, ClinGen allele CA9023190.
Genomic context (GRCh38, chr19:757,948, plus strand): 5'-GCAGGCAACCGACCACCAGGAGCTGGTGGAAATCCCCACCAGGCCGCTGCTGACCAAGCT[G>A]AGCCTGATCACAGCCCCACGGCGGGAGAGAGGGCGCCCGTCCCTCTACGTGCAGCGGGAC-3'
Protein context (NP_775752.1, residues 324-344): EIPTRPLLTK[Leu334=]SLITAPRRER